The following is an entry in ClinVar:

NM_004281.4(BAG3):c.1031_1032del (p.Lys344fs)

Gene: BAG3 (BAG cochaperone 3; plus strand). Cytogenetic location: 10q26.11.
Variant type: Deletion.
Coding change: c.1031_1032del on transcript NM_004281.4 (MANE Select); coding-DNA positions 1031 to 1032, 2 bases deleted (AA; older notation c.1031_1032delAA).
Protein change: p.Lys344fs; shifts the reading frame from lysine 344.
Molecular consequence: frameshift variant.
Genome position (GRCh38, 1-based): chr10:119,676,585-119,676,586, AA deleted; deleting any 2 consecutive bases within chr10:119,676,584-119,676,586 gives the same sequence; the c. name uses the placement nearest the transcript's 3' end. VCF-style (leftmost placement, unchanged base first): chr10-119676583-CAA-C. GRCh37 (hg19) VCF-style: chr10-121436095-CAA-C.
Other names: short protein forms K344fs.
Identifiers: ClinVar variation 966374 (VCV000966374.9), dbSNP rs1847237761, ClinGen allele CA1139661707.
Genomic context (GRCh38, chr10:119,676,583, plus strand): 5'-TAAGCCAGGCCCAGTTGGACCAGAACTCCCTCCTGGACACATCCCAATTCAAGTGATCCG[CAA>C]AGAGGTGGATTCTAAACCTGTTTCCCAGAAGCCCCCACCTCCCTCTGAGAAGGTAGAGGT-3'

ClinVar aggregate classification (germline): Pathogenic (1 of 4 stars; one submission).

Conditions:
Myofibrillar myopathy 6. Identifiers: Orphanet 199340, MedGen C2751831, MONDO:0013061, OMIM 612954.
Dilated cardiomyopathy 1HH (CMD1HH). Identifiers: Orphanet 154, MedGen C3151293, MONDO:0013479, OMIM 613881.

Submission:

Labcorp Genetics (formerly Invitae), Labcorp
Classification: Pathogenic for Dilated cardiomyopathy 1HH; Myofibrillar myopathy 6. Last evaluated: 2019-10-15. Review status: criteria provided, single submitter. Criteria: Invitae Variant Classification Sherloc (09022015). Collection method: clinical testing. Allele origin: germline.
Comment: This sequence change results in a premature translational stop signal in the BAG3 gene (p.Lys344Argfs*5). While this is not anticipated to result in nonsense mediated decay, it is expected to disrupt the last 232 amino acids of the BAG3 protein. This variant is not present in population databases (ExAC no frequency). This variant has not been reported in the literature in individuals with BAG3-related conditions. This variant disrupts the C-terminus of the BAG3 protein. Other variant(s) that disrupt this region (p.Leu423Lysfs*14) have been determined to be pathogenic (PMID: 24623017). This suggests that variants that disrupt this region of the protein are likely to be causative of disease. For these reasons, this variant has been classified as Pathogenic.

Literature cited by the submitters: PubMed 24623017.